The following is an entry in ClinVar:

NM_181703.4(GJA5):c.1046G>A (p.Ser349Asn)

Gene: GJA5 (gap junction protein alpha 5; minus strand). Cytogenetic location: 1q21.2.
Variant type: single nucleotide variant.
Coding change: c.1046G>A on transcript NM_181703.4 (MANE Select); coding-DNA position 1046, G replaced by A.
Protein change: p.Ser349Asn; replaces serine 349 with asparagine.
Molecular consequence: missense variant.
Genome position (GRCh38, 1-based): chr1:147,758,193, C>T on the plus strand (G>A on the coding strand, the complement: GJA5 is on the minus strand). VCF-style: chr1-147758193-C-T. GRCh37 (hg19) VCF-style: chr1-147230301-C-T.
Other names: c.1046G>A, p.Ser349Asn (NM_005266.7); short protein forms S349N.
Identifiers: ClinVar variation 2932402 (VCV002932402.3), dbSNP rs1553226738, ClinGen allele CA342393470.

ClinVar aggregate classification (germline): Uncertain significance (1 of 4 stars; one submission).

Conditions:
Atrial standstill 1 (ATRST1). Also called: ATRIAL CARDIOMYOPATHY WITH HEART BLOCK; CARDIOMYOPATHY, FAMILIAL, WITH CONDUCTION DISTURBANCE; Atrial standstill, digenic (GJA5/SCN5A). Identifiers: Orphanet 1344, MedGen C4551959, MONDO:0007171, OMIM 108770.
Atrial fibrillation, familial, 11 (ATFB11). Identifiers: MedGen C3279693, MONDO:0013544, OMIM 614049.

Allele frequency attached by ClinVar (database versions not stated): gnomAD exomes below 0.00001.
gnomAD v4.1: 2 of 1,613,968 alleles (0.00012%); highest among the groups gnomAD compares: Admixed American, 0.0033%; no homozygotes.

Submission:

Labcorp Genetics (formerly Invitae), Labcorp
Classification: Uncertain significance for Atrial fibrillation, familial, 11; Atrial standstill 1. Last evaluated: 2023-06-15. Review status: criteria provided, single submitter. Criteria: Invitae Variant Classification Sherloc (09022015). Collection method: clinical testing. Allele origin: germline.
Comment: This variant has not been reported in the literature in individuals affected with GJA5-related conditions. This variant is present in population databases (no rsID available, gnomAD 0.006%). This sequence change replaces serine, which is neutral and polar, with asparagine, which is neutral and polar, at codon 349 of the GJA5 protein (p.Ser349Asn). Experimental studies and prediction algorithms are not available or were not evaluated, and the functional significance of this variant is currently unknown. In summary, the available evidence is currently insufficient to determine the role of this variant in disease. Therefore, it has been classified as a Variant of Uncertain Significance.